The following is an entry in ClinVar:

NM_003062.4(SLIT3):c.4379G>A (p.Arg1460His)

Gene: SLIT3 (slit guidance ligand 3; minus strand). Cytogenetic location: 5q34.
Variant type: single nucleotide variant.
Coding change: c.4379G>A on transcript NM_003062.4 (MANE Select); coding-DNA position 4379, G replaced by A.
Protein change: p.Arg1460His; replaces arginine 1460 with histidine.
Molecular consequence: missense variant.
Genome position (GRCh38, 1-based): chr5:168,666,647, C>T on the plus strand (G>A on the coding strand, the complement: SLIT3 is on the minus strand). VCF-style: chr5-168666647-C-T. GRCh37 (hg19) VCF-style: chr5-168093652-C-T.
Other names: c.4400G>A, p.Arg1467His (NM_001271946.2); short protein forms R1467H, R1460H.
Identifiers: ClinVar variation 771388 (VCV000771388.13), dbSNP rs138032051, ClinGen allele CA3550611.

ClinVar aggregate classification (germline): Benign/Likely benign. Review status: criteria provided, multiple submitters, no conflicts (2 of 4 stars). 2 submissions from 2 submitters: Benign (1); Likely benign (1). Last evaluated 2025-05-01.

Allele frequency attached by ClinVar (database versions not stated): ESP Exome Variant Server 0.00015; gnomAD 0.00035 and 0.00038; gnomAD exomes 0.00045 and 0.00175; 1000 Genomes Project 0.00080; TOPMed 0.00092; 1000 Genomes Project 30x 0.00094; ExAC 0.00152.
gnomAD v4.1: 708 of 1,614,168 alleles (0.044%); highest among the groups gnomAD compares: Admixed American, 0.76%; 5 homozygotes.

Submissions (2):

CeGaT Center for Human Genetics Tuebingen
Classification: Likely benign. Last evaluated: 2025-05-01. Review status: criteria provided, single submitter. Criteria: CeGaT Center For Human Genetics Tuebingen Variant Classification Criteria Version 2. Collection method: clinical testing. Allele origin: germline. Affected: yes. Observed: 1 variant allele.
Comment: SLIT3: BP4

Labcorp Genetics (formerly Invitae), Labcorp
Classification: Benign. Last evaluated: 2018-07-07. Review status: criteria provided, single submitter. Criteria: Invitae Variant Classification Sherloc (09022015). Collection method: clinical testing. Allele origin: germline.